The following is an entry in ClinVar:

ClinVar aggregate classification (germline): Benign. Review status: criteria provided, single submitter (1 of 4 stars). 2 submissions from 2 submitters: Benign (1). 1 of the submissions does not count toward it. Last evaluated 2026-01-05.

Conditions:
PIK3AP1-related disorder. Also called: PIK3AP1-related condition.
Infantile spasms. Also called: Infantile spasm. Identifiers: MedGen C3887898, HP:0012469.

Allele frequency attached by ClinVar (database versions not stated): 1000 Genomes Project 0.00080; 1000 Genomes Project 30x 0.00109; ESP Exome Variant Server 0.00115; TOPMed 0.00126; gnomAD 0.00164 and 0.00168.
gnomAD v4.1: 3,322 of 1,614,066 alleles (0.21%); highest among the groups gnomAD compares: Non-Finnish European, 0.25%; 8 homozygotes.

Submissions (2):

Labcorp Genetics (formerly Invitae), Labcorp
Classification: Benign for Infantile spasms. Last evaluated: 2026-01-05. Review status: criteria provided, single submitter. Criteria: Invitae Variant Classification Sherloc (09022015). Collection method: clinical testing. Allele origin: germline.

PreventionGenetics, part of Exact Sciences
Classification: Likely benign for PIK3AP1-related condition. Last evaluated: 2019-10-28. Review status: no assertion criteria provided. Collection method: clinical testing. Allele origin: germline. Not counted in ClinVar's aggregate classification.
Comment: This variant is classified as likely benign based on ACMG/AMP sequence variant interpretation guidelines (Richards et al. 2015 PMID: 25741868, with internal and published modifications).

NM_152309.3(PIK3AP1):c.2076A>G (p.Gly692=)

Gene: PIK3AP1 (phosphoinositide-3-kinase adaptor protein 1; minus strand). Cytogenetic location: 10q24.1.
Variant type: single nucleotide variant.
Coding change: c.2076A>G on transcript NM_152309.3 (MANE Select); coding-DNA position 2076, A replaced by G.
Protein change: p.Gly692=; no amino-acid change (glycine 692 retained).
Molecular consequence: synonymous variant.
Genome position (GRCh38, 1-based): chr10:96,609,806, T>C on the plus strand (A>G on the coding strand, the complement: PIK3AP1 is on the minus strand). VCF-style: chr10-96609806-T-C. GRCh37 (hg19) VCF-style: chr10-98369563-T-C.
Identifiers: ClinVar variation 474919 (VCV000474919.14), dbSNP rs141067860, ClinGen allele CA5626068.